The following is an entry in ClinVar:

NM_001354604.2(MITF):c.1343T>G (p.Leu448Arg)

Gene: MITF (melanocyte inducing transcription factor; plus strand). Cytogenetic location: 3p13.
Variant type: single nucleotide variant.
Coding change: c.1343T>G on transcript NM_001354604.2 (MANE Select); coding-DNA position 1343, T replaced by G.
Protein change: p.Leu448Arg; replaces leucine 448 with arginine.
Molecular consequence: missense variant.
Genome position (GRCh38, 1-based): chr3:69,965,010, T>G. VCF-style: chr3-69965010-T-G. GRCh37 (hg19) VCF-style: chr3-70014161-T-G.
Other names: c.1022T>G, p.Leu341Arg (NM_000248.4); c.1169T>G, p.Leu390Arg (NM_001184967.2, NM_001354608.2); c.1340T>G, p.Leu447Arg (NM_001354605.2); c.1322T>G, p.Leu441Arg (NM_001354606.2, NM_006722.3); c.1274T>G, p.Leu425Arg (NM_001354607.2); c.1004T>G, p.Leu335Arg (NM_198158.3); c.1325T>G, p.Leu442Arg (NM_198159.3); c.1277T>G, p.Leu426Arg (NM_198177.3); and 1 more; short protein forms L279R, L442R, L335R, L341R, L390R, L441R, L448R, L426R.
Identifiers: ClinVar variation 3873243 (VCV003873243.1).

ClinVar aggregate classification (germline): Uncertain significance (1 of 4 stars; one submission).

Conditions:
Hereditary cancer-predisposing syndrome. Also called: Tumor predisposition; Neoplastic Syndromes, Hereditary; Hereditary Cancer Syndrome; Hereditary neoplastic syndrome. Identifiers: Orphanet 140162, MedGen C0027672, MeSH D009386, MONDO:0015356.

gnomAD v4.1: 1 of 1,614,012 alleles (0.000062%); highest among the groups gnomAD compares: African/African-American, 0.0013%; no homozygotes.

Submission:

Ambry Genetics
Classification: Uncertain significance for Hereditary cancer-predisposing syndrome. Last evaluated: 2025-02-09. Review status: criteria provided, single submitter. Criteria: Ambry Variant Classification Scheme 2023. Collection method: clinical testing. Allele origin: germline.
Comment: The p.L341R variant (also known as c.1022T>G), located in coding exon 9 of the MITF gene, results from a T to G substitution at nucleotide position 1022. The leucine at codon 341 is replaced by arginine, an amino acid with dissimilar properties. This amino acid position is conserved. In addition, this alteration is predicted to be deleterious by in silico analysis. Based on the available evidence, the clinical significance of this variant remains unclear.